The following is an entry in ClinVar:

ClinVar aggregate classification (germline): Uncertain significance. Review status: criteria provided, multiple submitters, no conflicts (2 of 4 stars). 2 submissions from 2 submitters: Uncertain significance (2). Last evaluated 2022-07-30.

Conditions:
Mucopolysaccharidosis type 1. Also called: IDUA deficiency; MPS I; Mucopolysaccharidosis Type I. Identifiers: Orphanet 579, MedGen C0023786, MONDO:0001586.

Submissions (2):

Labcorp Genetics (formerly Invitae), Labcorp
Classification: Uncertain significance for Mucopolysaccharidosis type 1. Last evaluated: 2022-07-30. Review status: criteria provided, single submitter. Criteria: Invitae Variant Classification Sherloc (09022015). Collection method: clinical testing. Allele origin: germline.
Comment: This sequence change replaces phenylalanine, which is neutral and non-polar, with leucine, which is neutral and non-polar, at codon 495 of the IDUA protein (p.Phe495Leu). This variant is not present in population databases (gnomAD no frequency). This variant has not been reported in the literature in individuals affected with IDUA-related conditions. Advanced modeling of protein sequence and biophysical properties (such as structural, functional, and spatial information, amino acid conservation, physicochemical variation, residue mobility, and thermodynamic stability) performed at Invitae indicates that this missense variant is expected to disrupt IDUA protein function. In summary, the available evidence is currently insufficient to determine the role of this variant in disease. Therefore, it has been classified as a Variant of Uncertain Significance.

Revvity Omics, Revvity
Classification: Uncertain significance. Last evaluated: 2022-07-15. Review status: criteria provided, single submitter. Criteria: ACMG Guidelines, 2015. Collection method: clinical testing. Allele origin: germline.

NM_000203.5(IDUA):c.1483T>C (p.Phe495Leu)

Gene: IDUA (alpha-L-iduronidase; plus strand). Cytogenetic location: 4p16.3.
Variant type: single nucleotide variant.
Coding change: c.1483T>C on transcript NM_000203.5 (MANE Select); coding-DNA position 1483, T replaced by C.
Protein change: p.Phe495Leu; replaces phenylalanine 495 with leucine.
Molecular consequence: missense variant. On other transcripts: non-coding transcript variant (1).
Genome position (GRCh38, 1-based): chr4:1,003,116, T>C. VCF-style: chr4-1003116-T-C. GRCh37 (hg19) VCF-style: chr4-996904-T-C.
Other names: c.1087T>C, p.Phe363Leu (NM_001363576.1); short protein forms F363L, F495L.
Identifiers: ClinVar variation 1714310 (VCV001714310.8), dbSNP rs2534095371, ClinGen allele CA355964674.